The following is an entry in ClinVar:

NM_000051.4(ATM):c.8818_8819del (p.Asn2940fs)

Genes: ATM (ATM serine/threonine kinase; plus strand), C11orf65 (chromosome 11 open reading frame 65; minus strand). Cytogenetic location: 11q22.3.
Variant type: Deletion.
Coding change: c.8818_8819del on transcript NM_000051.4 (MANE Select); coding-DNA positions 8818 to 8819, 2 bases deleted (AA; older notation c.8818_8819delAA).
Protein change: p.Asn2940fs; shifts the reading frame from asparagine 2940.
Molecular consequence: frameshift variant. On other transcripts: intron variant (2).
Genome position (GRCh38, 1-based): chr11:108,354,842-108,354,843, AA deleted; deleting any 2 consecutive bases within chr11:108,354,841-108,354,843 gives the same sequence; the c. name uses the placement nearest the transcript's 3' end. VCF-style (leftmost placement, unchanged base first): chr11-108354840-GAA-G. GRCh37 (hg19) VCF-style: chr11-108225567-GAA-G.
Other names: c.8818_8819del, p.Asn2940fs (NM_001351834.2); c.640+31078_640+31079del (NM_001330368.2); c.695-19550_695-19549del (NM_001351110.2); short protein forms N2940fs.
Identifiers: ClinVar variation 1452666 (VCV001452666.7), dbSNP rs2137350203, ClinGen allele CA2573146599.

ClinVar aggregate classification (germline): Pathogenic (1 of 4 stars; one submission).

Conditions:
Ataxia-telangiectasia syndrome (AT). Also called: Ataxia-telangiectasia; LOUIS-BAR SYNDROME; Ataxia-telangiectasia, complementation group D; AT, COMPLEMENTATION GROUP C; ATAXIA-TELANGIECTASIA, COMPLEMENTATION GROUP A; ATAXIA-TELANGIECTASIA, FRESNO VARIANT. Identifiers: Orphanet 100, MedGen C0004135, MONDO:0008840, OMIM 208900.

Submission:

Labcorp Genetics (formerly Invitae), Labcorp
Classification: Pathogenic for Ataxia-telangiectasia syndrome. Last evaluated: 2025-04-21. Review status: criteria provided, single submitter. Criteria: Invitae Variant Classification Sherloc (09022015). Collection method: clinical testing. Allele origin: germline.
Comment: This sequence change creates a premature translational stop signal (p.Asn2940Leufs*15) in the ATM gene. It is expected to result in an absent or disrupted protein product. Loss-of-function variants in ATM are known to be pathogenic (PMID: 23807571, 25614872). This variant is not present in population databases (gnomAD no frequency). This variant has not been reported in the literature in individuals affected with ATM-related conditions. ClinVar contains an entry for this variant (Variation ID: 1452666). For these reasons, this variant has been classified as Pathogenic.

Literature cited by the submitters: PubMed 23807571; PubMed 25614872.